The following is an entry in ClinVar:

ClinVar aggregate classification (germline): Uncertain significance (1 of 4 stars; one submission).

Submission:

GeneDx
Classification: Uncertain significance. Last evaluated: 2024-11-03. Review status: criteria provided, single submitter. Criteria: GeneDx Variant Classification Process June 2021. Collection method: clinical testing. Allele origin: germline. Affected: yes.
Comment: Not observed at significant frequency in large population cohorts (gnomAD); In silico analysis supports a deleterious effect on splicing; Has not been previously published as pathogenic or benign to our knowledge

NM_000186.4(CFH):c.285T>G (p.Thr95=)

Gene: CFH (complement factor H; plus strand). Cytogenetic location: 1q31.3.
Variant type: single nucleotide variant.
Coding change: c.285T>G on transcript NM_000186.4 (MANE Select); coding-DNA position 285, T replaced by G.
Protein change: p.Thr95=; no amino-acid change (threonine 95 retained).
Molecular consequence: synonymous variant.
Genome position (GRCh38, 1-based): chr1:196,673,897, T>G. VCF-style: chr1-196673897-T-G. GRCh37 (hg19) VCF-style: chr1-196643027-T-G.
Other names: c.285T>G, p.Thr95= (NM_001014975.3).
Identifiers: ClinVar variation 3897302 (VCV003897302.1).